The following is an entry in ClinVar:

ClinVar aggregate classification (germline): Uncertain significance. Review status: criteria provided, multiple submitters, no conflicts (2 of 4 stars). 2 submissions from 2 submitters: Uncertain significance (2). Last evaluated 2024-09-09.

Allele frequency attached by ClinVar (database versions not stated): gnomAD exomes below 0.00001; TOPMed below 0.00001; gnomAD 0.00001.
gnomAD v4.1: 40 of 1,613,324 alleles (0.0025%); highest among the groups gnomAD compares: Non-Finnish European, 0.0026%; no homozygotes.

Submissions (2):

GeneDx
Classification: Uncertain significance. Last evaluated: 2024-09-09. Review status: criteria provided, single submitter. Criteria: GeneDx Variant Classification Process June 2021. Collection method: clinical testing. Allele origin: germline. Affected: yes.
Comment: Not observed at significant frequency in large population cohorts (gnomAD); Missense variant in a gene in which most reported pathogenic variants are truncating/loss of function; Has not been previously published as pathogenic or benign to our knowledge; Located in the A-band region of TTN in which the majority of loss of function variants have been associated with autosomal dominant titinopathies (PMID: 22335739)

Eurofins Ntd Llc (ga)
Classification: Uncertain significance. Last evaluated: 2015-08-18. Review status: criteria provided, single submitter. Criteria: EGL Classification Definitions 2015. Collection method: clinical testing. Allele origin: germline. Observed: 1 variant allele, 1 heterozygote.

NM_001267550.2(TTN):c.80964C>G (p.Asp26988Glu)

Genes: TTN (titin; minus strand), TTN-AS1 (TTN antisense RNA 1; plus strand). Cytogenetic location: 2q31.2.
Variant type: single nucleotide variant.
Coding change: c.80964C>G on transcript NM_001267550.2 (MANE Select); coding-DNA position 80964, C replaced by G.
Protein change: p.Asp26988Glu; replaces aspartic acid 26988 with glutamic acid.
Molecular consequence: missense variant.
Genome position (GRCh38, 1-based): chr2:178,565,168, G>C on the plus strand (C>G on the coding strand, the complement: TTN is on the minus strand). VCF-style: chr2-178565168-G-C. GRCh37 (hg19) VCF-style: chr2-179429895-G-C.
Other names: c.76041C>G, p.Asp25347Glu (NM_001256850.1); c.53769C>G, p.Asp17923Glu (NM_003319.4); c.73260C>G, p.Asp24420Glu (NM_133378.4); c.54144C>G, p.Asp18048Glu (NM_133432.3); c.54345C>G, p.Asp18115Glu (NM_133437.4); c.80964C>G (NM_001267550.1); short protein forms D26988E, D24420E, D25347E, D18048E, D17923E, D18115E.
Identifiers: ClinVar variation 282325 (VCV000282325.6), dbSNP rs755899399, ClinGen allele CA10604148.